The following is an entry in ClinVar:

ClinVar aggregate classification (germline): Likely benign. Review status: criteria provided, multiple submitters, no conflicts (2 of 4 stars). 2 submissions from 2 submitters: Likely benign (2). Last evaluated 2023-08-15.

Conditions:
Malignant hyperthermia, susceptibility to, 1 (MHS1). Also called: Anesthesia related hyperthermia; Malignant hyperpyrexia; Fulminating hyperpyrexia; Pharmacogenic myopathy; RYR1-Related Malignant Hyperthermia Susceptibility; Malignant hyperthermia suceptibility 1. Identifiers: Orphanet 423, MedGen C2930980, MONDO:0007783, OMIM 145600.
RYR1-related disorder. Also called: RYR1-related condition; RYR1-related disorders. Identifiers: MedGen CN239331.

Allele frequency attached by ClinVar (database versions not stated): gnomAD exomes below 0.00001.
gnomAD v4.1: 3 of 1,614,072 alleles (0.00019%); highest among the groups gnomAD compares: Middle Eastern, 0.017%; no homozygotes.

Submissions (2):

All of Us Research Program, National Institutes of Health
Classification: Likely benign for Malignant hyperthermia, susceptibility to, 1. Last evaluated: 2023-08-15. Review status: criteria provided, single submitter. Criteria: ACMG Guidelines, 2015. Collection method: clinical testing. Allele origin: germline. Inheritance: Autosomal dominant inheritance. Observed: 3 variant alleles, 3 heterozygotes.
Comment: This study involves interpretation of variants in research participants for the purpose of population health screening. Participant phenotype was not available at the time of variant classification. Additional details can be found in publication PMID: 35346344, PMCID: PMC8962531

Labcorp Genetics (formerly Invitae), Labcorp
Classification: Likely benign for RYR1-related disorder. Last evaluated: 2020-09-10. Review status: criteria provided, single submitter. Criteria: Invitae Variant Classification Sherloc (09022015). Collection method: clinical testing. Allele origin: germline.

NM_000540.3(RYR1):c.11658C>T (p.Phe3886=)

Gene: RYR1 (ryanodine receptor 1; plus strand). Cytogenetic location: 19q13.2.
Variant type: single nucleotide variant.
Coding change: c.11658C>T on transcript NM_000540.3 (MANE Select); coding-DNA position 11658, C replaced by T.
Protein change: p.Phe3886=; no amino-acid change (phenylalanine 3886 retained).
Molecular consequence: synonymous variant.
Genome position (GRCh38, 1-based): chr19:38,537,929, C>T. VCF-style: chr19-38537929-C-T. GRCh37 (hg19) VCF-style: chr19-39028569-C-T.
Other names: c.11643C>T, p.Phe3881= (NM_001042723.2).
Identifiers: ClinVar variation 1145110 (VCV001145110.5), dbSNP rs2145756550, ClinGen allele CA507242238.
Genomic context (GRCh38, chr19:38,537,929, plus strand): 5'-CTTCCACCTAGGAGAGAAGGTCATGGCGGATGATGAATTCACACAAGACCTGTTCCGATT[C>T]CTACAATTGCTCTGTGAGGGGCACAATAATGGTGAGGAGGAGGGGTGTGGGGTGGAGGGG-3'
Protein context (NP_000531.2, residues 3876-3896): DDEFTQDLFR[Phe3886=]LQLLCEGHNN